The following is an entry in ClinVar:

ClinVar aggregate classification (germline): Likely pathogenic (1 of 4 stars; one submission).

Conditions:
Hypohidrotic X-linked ectodermal dysplasia (XHED). Also called: ECTODERMAL DYSPLASIA, HYPOHIDROTIC, 1; CST SYNDROME; Ectodermal Dysplasia 1, Anhidrotic; Christ-Siemans-Touraine syndrome; ECTODERMAL DYSPLASIA 1; ECTODERMAL DYSPLASIA 1, HYPOHIDROTIC, X-LINKED. Identifiers: Orphanet 181, Orphanet 238468, MedGen C0162359, MONDO:0010585, OMIM 305100.

Submission:

Labcorp Genetics (formerly Invitae), Labcorp
Classification: Likely pathogenic for Hypohidrotic X-linked ectodermal dysplasia. Last evaluated: 2023-11-15. Review status: criteria provided, single submitter. Criteria: Invitae Variant Classification Sherloc (09022015). Collection method: clinical testing. Allele origin: germline.
Comment: This sequence change replaces threonine, which is neutral and polar, with alanine, which is neutral and non-polar, at codon 338 of the EDA protein (p.Thr338Ala). This variant is not present in population databases (gnomAD no frequency). This variant has not been reported in the literature in individuals affected with EDA-related conditions. Advanced modeling of protein sequence and biophysical properties (such as structural, functional, and spatial information, amino acid conservation, physicochemical variation, residue mobility, and thermodynamic stability) performed at Invitae indicates that this missense variant is expected to disrupt EDA protein function with a positive predictive value of 95%. This variant disrupts the p.Thr338 amino acid residue in EDA. Other variant(s) that disrupt this residue have been determined to be pathogenic (PMID: 18545687, 18657636, 19623212, 27657131). This suggests that this residue is clinically significant, and that variants that disrupt this residue are likely to be disease-causing. In summary, the currently available evidence indicates that the variant is pathogenic, but additional data are needed to prove that conclusively. Therefore, this variant has been classified as Likely Pathogenic.

Literature cited by the submitters: PubMed 18545687; PubMed 18657636; PubMed 19623212; PubMed 27657131.

NM_001399.5(EDA):c.1012A>G (p.Thr338Ala)

Gene: EDA (ectodysplasin A; plus strand). Cytogenetic location: Xq13.1.
Variant type: single nucleotide variant.
Coding change: c.1012A>G on transcript NM_001399.5 (MANE Select); coding-DNA position 1012, A replaced by G.
Protein change: p.Thr338Ala; replaces threonine 338 with alanine.
Molecular consequence: missense variant.
Genome position (GRCh38, 1-based): chrX:70,035,445, A>G. VCF-style: chrX-70035445-A-G. GRCh37 (hg19) VCF-style: chrX-69255295-A-G.
Other names: c.1006A>G, p.Thr336Ala (NM_001005609.2); c.997A>G, p.Thr333Ala (NM_001005612.3); short protein forms T338A, T333A, T336A.
Identifiers: ClinVar variation 2810309 (VCV002810309.1), dbSNP rs2520346836, ClinGen allele CA413449826.
Genomic context (GRCh38, chrX:70,035,445, plus strand): 5'-GCCAGCTATGAGGTGGTGGTGGATGAGAAGCCCTTCCTGCAGTGCACACGCAGCATCGAG[A>G]CGGGCAAGACCAACTACAACACTTGCTATACCGCAGGCGTCTGCCTCCTCAAGGCCCGGC-3'
Protein context (NP_001390.1, residues 328-348): PFLQCTRSIE[Thr338Ala]GKTNYNTCYT